The following is an entry in ClinVar:

ClinVar aggregate classification (germline): Uncertain significance (1 of 4 stars; one submission).

gnomAD v4.1: 18 of 1,613,966 alleles (0.0011%); highest among the groups gnomAD compares: African/African-American, 0.0027%; no homozygotes.

Submission:

Labcorp Genetics (formerly Invitae), Labcorp
Classification: Uncertain significance. Last evaluated: 2024-07-22. Review status: criteria provided, single submitter. Criteria: Invitae Variant Classification Sherloc (09022015). Collection method: clinical testing. Allele origin: germline.
Comment: This sequence change replaces arginine, which is basic and polar, with histidine, which is basic and polar, at codon 132 of the P4HB protein (p.Arg132His). This variant is present in population databases (rs758374436, gnomAD 0.0009%). This variant has not been reported in the literature in individuals affected with P4HB-related conditions. Advanced modeling of protein sequence and biophysical properties (such as structural, functional, and spatial information, amino acid conservation, physicochemical variation, residue mobility, and thermodynamic stability) performed at Invitae indicates that this missense variant is not expected to disrupt P4HB protein function with a negative predictive value of 80%. In summary, the available evidence is currently insufficient to determine the role of this variant in disease. Therefore, it has been classified as a Variant of Uncertain Significance.

NM_000918.4(P4HB):c.395G>A (p.Arg132His)

Gene: P4HB (prolyl 4-hydroxylase subunit beta; minus strand). Cytogenetic location: 17q25.3.
Variant type: single nucleotide variant.
Coding change: c.395G>A on transcript NM_000918.4 (MANE Select); coding-DNA position 395, G replaced by A.
Protein change: p.Arg132His; replaces arginine 132 with histidine.
Molecular consequence: missense variant.
Genome position (GRCh38, 1-based): chr17:81,855,544, C>T on the plus strand (G>A on the coding strand, the complement: P4HB is on the minus strand). VCF-style: chr17-81855544-C-T. GRCh37 (hg19) VCF-style: chr17-79813420-C-T.
Other names: short protein forms R132H.
Identifiers: ClinVar variation 3620939 (VCV003620939.2).
Genomic context (GRCh38, chr17:81,855,544, plus strand): 5'-GACTCCACCAAGGACTCTGCAGCTGCGCCGTCAGGCAGGGTGGTGGCAGCCGGGCCCGTG[C>T]GCTTCTTCAGCCAGTTCACGATGTCATCAGCCTCTCTGCCAGCTAACCCCAAACAAATGT-3'
Protein context (NP_000909.2, residues 122-142): ADDIVNWLKK[Arg132His]TGPAATTLPD